The following is an entry in ClinVar:

ClinVar aggregate classification (germline): Uncertain significance (1 of 4 stars; one submission).

Conditions:
Gastrointestinal stromal tumor. Also called: Gastrointestinal stromal tumor, somatic; Gastrointestinal stroma tumor. Identifiers: Orphanet 44890, MedGen C0238198, MeSH D046152, MONDO:0011719, OMIM 606764, HP:0100723.

Submission:

Labcorp Genetics (formerly Invitae), Labcorp
Classification: Uncertain significance for Gastrointestinal stromal tumor. Last evaluated: 2023-02-27. Review status: criteria provided, single submitter. Criteria: Invitae Variant Classification Sherloc (09022015). Collection method: clinical testing. Allele origin: germline.
Comment: In summary, the available evidence is currently insufficient to determine the role of this variant in disease. Therefore, it has been classified as a Variant of Uncertain Significance. Advanced modeling of protein sequence and biophysical properties (such as structural, functional, and spatial information, amino acid conservation, physicochemical variation, residue mobility, and thermodynamic stability) has been performed at Invitae for this missense variant, however the output from this modeling did not meet the statistical confidence thresholds required to predict the impact of this variant on PDGFRA protein function. This variant has not been reported in the literature in individuals affected with PDGFRA-related conditions. This variant is not present in population databases (gnomAD no frequency). This sequence change replaces arginine, which is basic and polar, with leucine, which is neutral and non-polar, at codon 340 of the PDGFRA protein (p.Arg340Leu).

NM_006206.6(PDGFRA):c.1019G>T (p.Arg340Leu)

Gene: PDGFRA (platelet derived growth factor receptor alpha; plus strand). Cytogenetic location: 4q12.
Variant type: single nucleotide variant.
Coding change: c.1019G>T on transcript NM_006206.6 (MANE Select); coding-DNA position 1019, G replaced by T.
Protein change: p.Arg340Leu; replaces arginine 340 with leucine.
Molecular consequence: missense variant.
Genome position (GRCh38, 1-based): chr4:54,267,639, G>T. VCF-style: chr4-54267639-G-T. GRCh37 (hg19) VCF-style: chr4-55133806-G-T.
Other names: c.1019G>T, p.Arg340Leu (NM_001347827.2, NM_001347829.2); c.1094G>T, p.Arg365Leu (NM_001347828.2); c.1058G>T, p.Arg353Leu (NM_001347830.2); short protein forms R365L, R340L, R353L.
Identifiers: ClinVar variation 2841206 (VCV002841206.3), dbSNP rs77524207, ClinGen allele CA356891623.